The following is an entry in ClinVar:

NM_000574.5(CD55):c.575C>A (p.Thr192Lys)

Gene: CD55 (CD55 molecule (Cromer blood group); plus strand). Cytogenetic location: 1q32.2.
Variant type: single nucleotide variant.
Coding change: c.575C>A on transcript NM_000574.5 (MANE Select); coding-DNA position 575, C replaced by A.
Protein change: p.Thr192Lys; replaces threonine 192 with lysine.
Molecular consequence: missense variant. On other transcripts: non-coding transcript variant (1).
Genome position (GRCh38, 1-based): chr1:207,325,718, C>A. VCF-style: chr1-207325718-C-A. GRCh37 (hg19) VCF-style: chr1-207499063-C-A.
Other names: p.Thr192Lys; c.575C>A, p.Thr192Lys (NM_001114752.3, NM_001300902.2, NM_001300903.2 and 1 more transcripts); short protein forms T192K.
Identifiers: ClinVar variation 4542160 (VCV004542160.1).

ClinVar aggregate classification (germline): Uncertain significance (1 of 4 stars; one submission).

Submission:

Mayo Clinic Laboratories, Mayo Clinic
Classification: Uncertain significance. Last evaluated: 2025-07-02. Review status: criteria provided, single submitter. Criteria: ACMG Guidelines, 2015. Collection method: clinical testing. Allele origin: germline. Observed: 1 variant allele.
Comment: BP4, PM2_supporting